The following is an entry in ClinVar:

NM_032608.7(MYO18B):c.4834C>A (p.Gln1612Lys)

Gene: MYO18B (myosin XVIIIB; plus strand). Cytogenetic location: 22q12.1.
Variant type: single nucleotide variant.
Coding change: c.4834C>A on transcript NM_032608.7 (MANE Select); coding-DNA position 4834, C replaced by A.
Protein change: p.Gln1612Lys; replaces glutamine 1612 with lysine.
Molecular consequence: missense variant.
Genome position (GRCh38, 1-based): chr22:25,902,623, C>A. VCF-style: chr22-25902623-C-A. GRCh37 (hg19) VCF-style: chr22-26298590-C-A.
Other names: c.4834C>A (NM_032608.5); c.4837C>A, p.Gln1613Lys (NM_001318245.2); short protein forms Q1612K, Q1613K.
Identifiers: ClinVar variation 2119801 (VCV002119801.6), dbSNP rs2517860628, ClinGen allele CA411012428.

ClinVar aggregate classification (germline): Uncertain significance. Review status: criteria provided, multiple submitters, no conflicts (2 of 4 stars). 2 submissions from 2 submitters: Uncertain significance (2). Last evaluated 2023-05-24.

Conditions:
Inborn genetic diseases. Identifiers: MedGen C0950123, MeSH D030342.

Submissions (2):

Ambry Genetics
Classification: Uncertain significance for Inborn genetic diseases. Last evaluated: 2023-05-24. Review status: criteria provided, single submitter. Criteria: Ambry Variant Classification Scheme 2023. Collection method: clinical testing. Allele origin: germline.

Labcorp Genetics (formerly Invitae), Labcorp
Classification: Uncertain significance. Last evaluated: 2022-03-31. Review status: criteria provided, single submitter. Criteria: Invitae Variant Classification Sherloc (09022015). Collection method: clinical testing. Allele origin: germline.
Comment: This sequence change replaces glutamine, which is neutral and polar, with lysine, which is basic and polar, at codon 1612 of the MYO18B protein (p.Gln1612Lys). This variant is not present in population databases (gnomAD no frequency). This variant has not been reported in the literature in individuals affected with MYO18B-related conditions. Algorithms developed to predict the effect of missense changes on protein structure and function are either unavailable or do not agree on the potential impact of this missense change (SIFT: "Not Available"; PolyPhen-2: "Possibly Damaging"; Align-GVGD: "Not Available"). In summary, the available evidence is currently insufficient to determine the role of this variant in disease. Therefore, it has been classified as a Variant of Uncertain Significance.